The following is an entry in ClinVar:

NM_000059.4(BRCA2):c.1834_1835delinsTT (p.Glu612Leu)

Gene: BRCA2 (BRCA2 DNA repair associated; plus strand). Cytogenetic location: 13q13.1.
Variant type: Indel.
Coding change: c.1834_1835delinsTT on transcript NM_000059.4 (MANE Select); coding-DNA positions 1834 to 1835, GA replaced by TT.
Protein change: p.Glu612Leu; replaces glutamic acid 612 with leucine.
Molecular consequence: missense variant.
Genome position (GRCh38, 1-based): chr13:32,333,312-32,333,313, GA replaced by TT. VCF-style: chr13-32333312-GA-TT. GRCh37 (hg19) VCF-style: chr13-32907449-GA-TT.
Other names: c.1834_1835delGAinsTT (NM_000059.3); short protein forms E612L.
Identifiers: ClinVar variation 531274 (VCV000531274.18), dbSNP rs1555282105, ClinGen allele CA658798092.
Genomic context (GRCh38, chr13:32,333,312, plus strand): 5'-TATGCTATACATGATGAAACATCTTATAAAGGAAAAAAAATACCGAAAGACCAAAAATCA[GA>TT]ACTAATTAACTGTTCAGCCCAGTTTGAAGCAAATGCTTTTGAAGCACCACTTACATTTGC-3'
Protein context (NP_000050.3, residues 602-622): GKKIPKDQKS[Glu612Leu]LINCSAQFEA

ClinVar aggregate classification (germline): Conflicting classifications of pathogenicity. Review status: criteria provided, conflicting classifications (1 of 4 stars). 4 submissions from 4 submitters: Uncertain significance (3); Likely benign (1). Last evaluated 2025-06-28.

Conditions:
Hereditary cancer-predisposing syndrome. Also called: Hereditary neoplastic syndrome; Neoplastic Syndromes, Hereditary; Tumor predisposition; Hereditary Cancer Syndrome. Identifiers: Orphanet 140162, MedGen C0027672, MeSH D009386, MONDO:0015356.
Hereditary breast ovarian cancer syndrome. Also called: Hereditary breast and ovarian cancer syndrome (HBOC); BRCA1- and BRCA2-Associated Hereditary Breast and Ovarian Cancer; Hereditary breast and ovarian cancer syndrome; Breast and ovarian cancer; Hereditary breast and ovarian cancer; Hereditary breast and/or ovarian cancer syndrome. Identifiers: Orphanet 145, MedGen C0677776, MeSH D061325, MONDO:0003582. Disease mechanism: loss of function.

Submissions (4):

Ambry Genetics
Classification: Uncertain significance for Hereditary cancer-predisposing syndrome. Last evaluated: 2025-06-28. Review status: criteria provided, single submitter. Criteria: Ambry Variant Classification Scheme 2023. Collection method: clinical testing. Allele origin: germline.
Comment: The c.1834_1835delGAinsTT variant (also known as p.E612L), located in coding exon 9 of the BRCA2 gene, results from an in-frame deletion of GA and insertion of TT at nucleotide positions 1834 to 1835. This results in the substitution of the glutamic acid residue for a leucine residue at codon 612, an amino acid with dissimilar properties. In addition, this alteration is predicted to be neutral by in silico analysis (Choi Y et al. PLoS ONE. 2012; 7(10):e46688). Since supporting evidence is limited at this time, the clinical significance of this alteration remains unclear.

Labcorp Genetics (formerly Invitae), Labcorp
Classification: Uncertain significance for Hereditary breast ovarian cancer syndrome. Last evaluated: 2024-10-20. Review status: criteria provided, single submitter. Criteria: Invitae Variant Classification Sherloc (09022015). Collection method: clinical testing. Allele origin: germline.
Comment: This sequence change replaces glutamic acid, which is acidic and polar, with leucine, which is neutral and non-polar, at codon 612 of the BRCA2 protein (p.Glu612Leu). Information on the frequency of this variant in the gnomAD database is not available, as this variant may be reported differently in the database. This variant has not been reported in the literature in individuals affected with BRCA2-related conditions. ClinVar contains an entry for this variant (Variation ID: 531274). An algorithm developed to predict the effect of missense changes on protein structure and function (PolyPhen-2) suggests that this variant is likely to be tolerated. In summary, the available evidence is currently insufficient to determine the role of this variant in disease. Therefore, it has been classified as a Variant of Uncertain Significance.

University of Washington Department of Laboratory Medicine, University of Washington
Classification: Likely benign for Hereditary cancer-predisposing syndrome. Last evaluated: 2023-03-23. Review status: criteria provided, single submitter. Criteria: Dines et al. (Genet Med. 2020). Collection method: curation. Allele origin: germline.
Comment: Missense variant in a coldspot region where missense variants are very unlikely to be pathogenic (PMID:31911673).

BRCA2 exon 11 coldspot. Reclassification based on statistical prior probability.

Color Diagnostics, LLC DBA Color Health
Classification: Uncertain significance for Hereditary cancer-predisposing syndrome. Last evaluated: 2020-08-05. Review status: criteria provided, single submitter. Criteria: ACMG Guidelines, 2015. Collection method: clinical testing. Allele origin: germline.
Comment: This missense variant replaces glutamic acid with leucine at codon 612 of the BRCA2 protein. To our knowledge, functional studies have not been reported for this variant. This variant has not been reported in individuals affected with hereditary cancer in the literature. This variant has not been identified in the general population by the Genome Aggregation Database (gnomAD). The available evidence is insufficient to determine the role of this variant in disease conclusively. Therefore, this variant is classified as a Variant of Uncertain Significance.